The following is an entry in ClinVar:

NM_133510.4(RAD51B):c.277G>A (p.Ala93Thr)

Gene: RAD51B (RAD51 paralog B; plus strand). Cytogenetic location: 14q24.1.
Variant type: single nucleotide variant.
Coding change: c.277G>A on transcript NM_133510.4 (MANE Select); coding-DNA position 277, G replaced by A.
Protein change: p.Ala93Thr; replaces alanine 93 with threonine.
Molecular consequence: missense variant. On other transcripts: 5 prime UTR variant (1).
Genome position (GRCh38, 1-based): chr14:67,835,158, G>A. VCF-style: chr14-67835158-G-A. GRCh37 (hg19) VCF-style: chr14-68301875-G-A.
Other names: c.277G>A, p.Ala93Thr (NM_001321809.2, NM_001321810.2, NM_001321812.1 and 6 more transcripts); c.163G>A, p.Ala55Thr (NM_001321815.1); c.-179G>A (NM_001321817.2); short protein forms A93T, A55T.
Identifiers: ClinVar variation 4575271 (VCV004575271.1).

ClinVar aggregate classification (germline): Uncertain significance (1 of 4 stars; one submission).

gnomAD v4.1: 3 of 1,614,032 alleles (0.00019%); highest among the groups gnomAD compares: African/African-American, 0.0013%; no homozygotes.

Submission:

Ambry Genetics
Classification: Uncertain significance. Last evaluated: 2025-09-15. Review status: criteria provided, single submitter. Criteria: Ambry Variant Classification Scheme 2023. Collection method: clinical testing. Allele origin: germline.
Comment: The p.A93T variant (also known as c.277G>A), located in coding exon 3 of the RAD51B gene, results from a G to A substitution at nucleotide position 277. The alanine at codon 93 is replaced by threonine, an amino acid with similar properties. This amino acid position is well conserved in available vertebrate species. In addition, the in silico prediction for this alteration is inconclusive. The evidence for this gene-disease relationship is limited; therefore, the clinical significance of this alteration is unclear.